The following is an entry in ClinVar:

NM_001330288.2(SMARCC2):c.2447A>T (p.Glu816Val)

Gene: SMARCC2 (SWI/SNF related BAF chromatin remodeling complex subunit C2; minus strand). Cytogenetic location: 12q13.2.
Variant type: single nucleotide variant.
Coding change: c.2447A>T on transcript NM_001330288.2 (MANE Select); coding-DNA position 2447, A replaced by T.
Protein change: p.Glu816Val; replaces glutamic acid 816 with valine.
Molecular consequence: missense variant.
Genome position (GRCh38, 1-based): chr12:56,169,877, T>A on the plus strand (A>T on the coding strand, the complement: SMARCC2 is on the minus strand). VCF-style: chr12-56169877-T-A. GRCh37 (hg19) VCF-style: chr12-56563661-T-A.
Other names: c.2447A>T, p.Glu816Val (NM_001130420.3, NM_139067.4); c.2354A>T, p.Glu785Val (NM_003075.5); short protein forms E785V, E816V.
Identifiers: ClinVar variation 3030293 (VCV003030293.2), dbSNP rs2540869466, ClinGen allele CA385342942.

ClinVar aggregate classification (germline): Uncertain significance (0 of 4 stars; one submission).

Conditions:
SMARCC2-related disorder. Also called: SMARCC2-related condition.

Submission:

PreventionGenetics, part of Exact Sciences
Classification: Uncertain significance for SMARCC2-related condition. Last evaluated: 2023-11-16. Review status: no assertion criteria provided. Collection method: clinical testing. Allele origin: germline.
Comment: The SMARCC2 c.2354A>T variant is predicted to result in the amino acid substitution p.Glu785Val. To our knowledge, this variant has not been reported in the literature or in a large population database, indicating this variant is rare. At this time, the clinical significance of this variant is uncertain due to the absence of conclusive functional and genetic evidence.